The following is an entry in ClinVar:

ClinVar aggregate classification (germline): Uncertain significance (1 of 4 stars; one submission).

Allele frequency attached by ClinVar (database versions not stated): gnomAD exomes below 0.00001.

Submission:

Labcorp Genetics (formerly Invitae), Labcorp
Classification: Uncertain significance. Last evaluated: 2022-07-27. Review status: criteria provided, single submitter. Criteria: Invitae Variant Classification Sherloc (09022015). Collection method: clinical testing. Allele origin: germline.
Comment: In summary, the available evidence is currently insufficient to determine the role of this variant in disease. Therefore, it has been classified as a Variant of Uncertain Significance. Algorithms developed to predict the effect of missense changes on protein structure and function (SIFT, PolyPhen-2, Align-GVGD) all suggest that this variant is likely to be tolerated. This variant has not been reported in the literature in individuals affected with RGS9BP-related conditions. This variant is not present in population databases (gnomAD no frequency). This sequence change replaces valine, which is neutral and non-polar, with isoleucine, which is neutral and non-polar, at codon 196 of the RGS9BP protein (p.Val196Ile).

NM_207391.3(RGS9BP):c.586G>A (p.Val196Ile)

Gene: RGS9BP (regulator of G protein signaling 9 binding protein; plus strand). Cytogenetic location: 19q13.11.
Variant type: single nucleotide variant.
Coding change: c.586G>A on transcript NM_207391.3 (MANE Select); coding-DNA position 586, G replaced by A.
Protein change: p.Val196Ile; replaces valine 196 with isoleucine.
Molecular consequence: missense variant.
Genome position (GRCh38, 1-based): chr19:32,676,849, G>A. VCF-style: chr19-32676849-G-A. GRCh37 (hg19) VCF-style: chr19-33167755-G-A.
Other names: short protein forms V196I.
Identifiers: ClinVar variation 1713982 (VCV001713982.5), dbSNP rs2513250144, ClinGen allele CA405187257.
Genomic context (GRCh38, chr19:32,676,849, plus strand): 5'-CAAGCCCGGCAGGCGGCGGGCGCCGAGCTCCTGTCCACGGTCAGCGCCGGCCCCTCCTCG[G>A]TCGTGTCCTTGCAGGAGCGCGGGGGGGGTTGCGACCCCAGGAAGGCCCTGGCCGCCATCC-3'
Protein context (NP_997274.2, residues 186-206): LSTVSAGPSS[Val196Ile]VSLQERGGGC